The following is an entry in ClinVar:

ClinVar aggregate classification (germline): Uncertain significance (1 of 4 stars; one submission).

Submission:

Labcorp Genetics (formerly Invitae), Labcorp
Classification: Uncertain significance. Last evaluated: 2022-06-25. Review status: criteria provided, single submitter. Criteria: Invitae Variant Classification Sherloc (09022015). Collection method: clinical testing. Allele origin: germline.
Comment: This sequence change replaces tyrosine, which is neutral and polar, with cysteine, which is neutral and slightly polar, at codon 4241 of the USH2A protein (p.Tyr4241Cys). This variant is not present in population databases (gnomAD no frequency). This missense change has been observed in individual(s) with retinitis pigmentosa (Invitae). Algorithms developed to predict the effect of missense changes on protein structure and function output the following: SIFT: "Tolerated"; PolyPhen-2: "Benign"; Align-GVGD: "Class C0". The cysteine amino acid residue is found in multiple mammalian species, which suggests that this missense change does not adversely affect protein function. In summary, the available evidence is currently insufficient to determine the role of this variant in disease. Therefore, it has been classified as a Variant of Uncertain Significance.

NM_206933.4(USH2A):c.12722A>G (p.Tyr4241Cys)

Gene: USH2A (usherin; minus strand). Cytogenetic location: 1q41.
Variant type: single nucleotide variant.
Coding change: c.12722A>G on transcript NM_206933.4 (MANE Select); coding-DNA position 12722, A replaced by G.
Protein change: p.Tyr4241Cys; replaces tyrosine 4241 with cysteine.
Molecular consequence: missense variant.
Genome position (GRCh38, 1-based): chr1:215,675,189, T>C on the plus strand (A>G on the coding strand, the complement: USH2A is on the minus strand). VCF-style: chr1-215675189-T-C. GRCh37 (hg19) VCF-style: chr1-215848531-T-C.
Other names: short protein forms Y4241C.
Identifiers: ClinVar variation 2165867 (VCV002165867.1), dbSNP rs2464898763, ClinGen allele CA344849574.
Genomic context (GRCh38, chr1:215,675,189, plus strand): 5'-GCTTGCAATGTCCTCACCACATTCCAAGAGCTACAGGTATGCCCAGCTGAATTCCAAGTG[T>C]AGATTTTATATTCACACTGCGTCCATGGTTGCAAACCTGTGTCATTATACATAAATGTAT-3'
Protein context (NP_996816.3, residues 4231-4251): QPWTQCEYKI[Tyr4241Cys]TWNSAGHTCS